The following is an entry in ClinVar:

ClinVar aggregate classification (germline): Uncertain significance (1 of 4 stars; one submission).

Conditions:
POLD1-related polyposis and colorectal cancer syndrome (CRCS10). Also called: COLORECTAL CANCER, SUSCEPTIBILITY TO, ON CHROMOSOME 19q; Colorectal cancer 10; Colorectal cancer, susceptibility to, 10. Identifiers: Orphanet 220460, MedGen C2675481, MONDO:0012953, OMIM 612591.

Submission:

Labcorp Genetics (formerly Invitae), Labcorp
Classification: Uncertain significance for POLD1-related polyposis and colorectal cancer syndrome. Last evaluated: 2025-11-20. Review status: criteria provided, single submitter. Criteria: Invitae Variant Classification Sherloc (09022015). Collection method: clinical testing. Allele origin: germline.
Comment: This sequence change falls in intron 12 of the POLD1 gene. It does not directly change the encoded amino acid sequence of the POLD1 protein. It affects a nucleotide within the consensus splice site. This variant is not present in population databases (gnomAD no frequency). This variant has not been reported in the literature in individuals affected with POLD1-related conditions. Variants that disrupt the consensus splice site are a relatively common cause of aberrant splicing (PMID: 17576681, 9536098). Algorithms developed to predict the effect of sequence changes on RNA splicing suggest that this variant is not likely to affect RNA splicing. In summary, the available evidence is currently insufficient to determine the role of this variant in disease. Therefore, it has been classified as a Variant of Uncertain Significance.

Literature cited by the submitters: PubMed 17576681; PubMed 9536098.

NM_002691.4(POLD1):c.1494+6T>A

Gene: POLD1 (DNA polymerase delta 1, catalytic subunit; plus strand). Cytogenetic location: 19q13.33.
Variant type: single nucleotide variant.
Coding change: c.1494+6T>A on transcript NM_002691.4 (MANE Select); 6 bases into the intron after coding-DNA position 1494, T replaced by A.
Molecular consequence: intron variant.
Genome position (GRCh38, 1-based): chr19:50,406,523, T>A. VCF-style: chr19-50406523-T-A. GRCh37 (hg19) VCF-style: chr19-50909780-T-A.
Other names: c.1494+6T>A (NM_001256849.1, NM_001438212.1, NM_001438213.1 and 3 more transcripts).
Identifiers: ClinVar variation 4731157 (VCV004731157.1).